The following is an entry in ClinVar:

ClinVar aggregate classification (germline): Uncertain significance. Review status: criteria provided, multiple submitters, no conflicts (2 of 4 stars). 2 submissions from 2 submitters: Uncertain significance (2). Last evaluated 2024-10-21.

Submissions (2):

Labcorp Genetics (formerly Invitae), Labcorp
Classification: Uncertain significance. Last evaluated: 2024-10-21. Review status: criteria provided, single submitter. Criteria: Invitae Variant Classification Sherloc (09022015). Collection method: clinical testing. Allele origin: germline.
Comment: This sequence change replaces glutamic acid, which is acidic and polar, with glutamine, which is neutral and polar, at codon 133 of the SLC12A2 protein (p.Glu133Gln). This variant is not present in population databases (gnomAD no frequency). This variant has not been reported in the literature in individuals affected with SLC12A2-related conditions. ClinVar contains an entry for this variant (Variation ID: 560291). Invitae Evidence Modeling of protein sequence and biophysical properties (such as structural, functional, and spatial information, amino acid conservation, physicochemical variation, residue mobility, and thermodynamic stability) indicates that this missense variant is not expected to disrupt SLC12A2 protein function with a negative predictive value of 95%. In summary, the available evidence is currently insufficient to determine the role of this variant in disease. Therefore, it has been classified as a Variant of Uncertain Significance.

Geisinger Autism and Developmental Medicine Institute, Geisinger Health System
Classification: Uncertain significance. Last evaluated: 2017-04-09. Review status: criteria provided, single submitter. Criteria: ACMG Guidelines, 2015. Collection method: provider interpretation, clinical testing. Allele origin: unknown. Observed: 1 variant allele.
Comment: Inheritance is unknown. At the time of the lab report, no known human disorders had been clearly associated with this gene. A missense variant in the SLC12A2 gene was identified in a single individual from a cohort of patients with autism, epilepsy, and macrocephaly (Marchese et al., 2016). In addition, a missense variant has been identified in one individual with schizophrenia from a study with three disease cohorts of individuals with autism spectrum disorder, schizophrenia, and intellectual disability (Merner et al., 2016). Computational prediction models for the p.Glu133Gln variant are inconsistent.

Literature cited by the submitters: PubMed 26537360 (cited by Geisinger Autism and Developmental Medicine Institute, Geisinger Health System); PubMed 26955005 (cited by Geisinger Autism and Developmental Medicine Institute, Geisinger Health System); PubMed 27900370 (cited by Geisinger Autism and Developmental Medicine Institute, Geisinger Health System).

NM_001046.3(SLC12A2):c.397G>C (p.Glu133Gln)

Gene: SLC12A2 (solute carrier family 12 member 2; plus strand). Cytogenetic location: 5q23.3.
Variant type: single nucleotide variant.
Coding change: c.397G>C on transcript NM_001046.3 (MANE Select); coding-DNA position 397, G replaced by C.
Protein change: p.Glu133Gln; replaces glutamic acid 133 with glutamine.
Molecular consequence: missense variant. On other transcripts: non-coding transcript variant (1).
Genome position (GRCh38, 1-based): chr5:128,084,351, G>C. VCF-style: chr5-128084351-G-C. GRCh37 (hg19) VCF-style: chr5-127420043-G-C.
Other names: c.397G>C, p.Glu133Gln (NM_001256461.2); short protein forms E133Q.
Identifiers: ClinVar variation 560291 (VCV000560291.7), dbSNP rs1561645014, ClinGen allele CA360736410.